The following is an entry in ClinVar:

NM_015915.5(ATL1):c.924G>C (p.Glu308Asp)

Gene: ATL1 (atlastin GTPase 1; plus strand). Cytogenetic location: 14q22.1.
Variant type: single nucleotide variant.
Coding change: c.924G>C on transcript NM_015915.5 (MANE Select); coding-DNA position 924, G replaced by C.
Protein change: p.Glu308Asp; replaces glutamic acid 308 with aspartic acid.
Molecular consequence: missense variant.
Genome position (GRCh38, 1-based): chr14:50,620,660, G>C. VCF-style: chr14-50620660-G-C. GRCh37 (hg19) VCF-style: chr14-51087378-G-C.
Other names: c.924G>C, p.Glu308Asp (NM_001127713.1, NM_181598.4); short protein forms E308D.
Identifiers: ClinVar variation 3638269 (VCV003638269.2).

ClinVar aggregate classification (germline): Uncertain significance (1 of 4 stars; one submission).

Conditions:
Hereditary spastic paraplegia 3A (SPG3A). Also called: SPASTIC PARAPLEGIA 3, AUTOSOMAL DOMINANT; FAMILIAL SPASTIC PARAPLEGIA, AUTOSOMAL DOMINANT, 1; SPG3; STRUMPELL DISEASE; Spastic Paraplegia 3A; Spastic paraplegia 3A, autosomal dominant. Identifiers: Orphanet 100984, MedGen C2931355, MONDO:0008437, OMIM 182600.

gnomAD v4.1: 19 of 1,613,694 alleles (0.0012%); highest among the groups gnomAD compares: Non-Finnish European, 0.0016%; no homozygotes.

Submission:

Labcorp Genetics (formerly Invitae), Labcorp
Classification: Uncertain significance for Hereditary spastic paraplegia 3A. Last evaluated: 2024-04-17. Review status: criteria provided, single submitter. Criteria: Invitae Variant Classification Sherloc (09022015). Collection method: clinical testing. Allele origin: germline.
Comment: This sequence change replaces glutamic acid, which is acidic and polar, with aspartic acid, which is acidic and polar, at codon 308 of the ATL1 protein (p.Glu308Asp). This variant is present in population databases (no rsID available, gnomAD 0.0009%). This variant has not been reported in the literature in individuals affected with ATL1-related conditions. Advanced modeling of protein sequence and biophysical properties (such as structural, functional, and spatial information, amino acid conservation, physicochemical variation, residue mobility, and thermodynamic stability) performed at Invitae indicates that this missense variant is not expected to disrupt ATL1 protein function with a negative predictive value of 95%. In summary, the available evidence is currently insufficient to determine the role of this variant in disease. Therefore, it has been classified as a Variant of Uncertain Significance.